The following is an entry in ClinVar:

NM_000091.5(COL4A3):c.4882T>G (p.Ser1628Ala)

Genes: COL4A3 (collagen type IV alpha 3 chain; plus strand), MFF-DT (MFF divergent transcript; minus strand). Cytogenetic location: 2q36.3.
Variant type: single nucleotide variant.
Coding change: c.4882T>G on transcript NM_000091.5 (MANE Select); coding-DNA position 4882, T replaced by G.
Protein change: p.Ser1628Ala; replaces serine 1628 with alanine.
Molecular consequence: missense variant.
Genome position (GRCh38, 1-based): chr2:227,310,902, T>G. VCF-style: chr2-227310902-T-G. GRCh37 (hg19) VCF-style: chr2-228175618-T-G.
Other names: short protein forms S1628A.
Identifiers: ClinVar variation 397613 (VCV000397613.13), dbSNP rs773905198, ClinGen allele CA2147669.

ClinVar aggregate classification (germline): Conflicting classifications of pathogenicity. Review status: criteria provided, conflicting classifications (1 of 4 stars). 5 submissions from 5 submitters: Pathogenic (1); Uncertain significance (2); Likely benign (1). 1 of the submissions does not count toward it. Last evaluated 2024-10-22.

Conditions:
Autosomal dominant Alport syndrome (ATS3A). Also called: ALPORT SYNDROME 3A, AUTOSOMAL DOMINANT; Alport syndrome dominant type; Renal failure and sensorineural hearing loss. Identifiers: Orphanet 63, Orphanet 88918, MedGen C5882663, MONDO:0007086, OMIM 104200.
Alport syndrome 3b, autosomal recessive. Identifiers: MedGen C5882699, MONDO:0957811, OMIM 620536.
Hematuria, benign familial, 2 (BFH2). Identifiers: MedGen C5830421, MONDO:0958186, OMIM 620320.
Alport syndrome. Also called: Hemorrhagic familial nephritis; Hemorrhagic hereditary nephritis; Congenital hereditary hematuria. Identifiers: Orphanet 63, MedGen C1567741, MONDO:0018965.

Allele frequency attached by ClinVar (database versions not stated): gnomAD below 0.00001; TOPMed below 0.00001.
gnomAD v4.1: 63 of 1,614,098 alleles (0.0039%); highest among the groups gnomAD compares: South Asian, 0.068%; no homozygotes.

Submissions (5):

Labcorp Genetics (formerly Invitae), Labcorp
Classification: Likely benign. Last evaluated: 2024-10-22. Review status: criteria provided, single submitter. Criteria: Invitae Variant Classification Sherloc (09022015). Collection method: clinical testing. Allele origin: germline.

Fulgent Genetics
Classification: Uncertain significance for Autosomal dominant Alport syndrome; Hematuria, benign familial, 2; Alport syndrome 3b, autosomal recessive. Last evaluated: 2024-06-10. Review status: criteria provided, single submitter. Criteria: ACMG Guidelines, 2015. Collection method: clinical testing. Allele origin: germline.

GeneDx
Classification: Uncertain significance. Last evaluated: 2022-02-15. Review status: criteria provided, single submitter. Criteria: GeneDx Variant Classification Process June 2021. Collection method: clinical testing. Allele origin: germline. Affected: yes.
Comment: In silico analysis supports that this missense variant does not alter protein structure/function; Has not been previously published as pathogenic or benign to our knowledge

Department of Otolaryngology – Head & Neck Surgery, Cochlear Implant Center
Classification: Pathogenic for Alport syndrome. Last evaluated: 2021-04-12. Review status: criteria provided, single submitter. Criteria: ClinGen HL ACMG Specifications v1. Collection method: clinical testing. Allele origin: germline. Affected: yes.
Comment: PM2_Moderate, PP1_Strong, PP4_Strong

Bioscientia Institut fuer Medizinische Diagnostik GmbH, Sonic Healthcare
Classification: Uncertain significance for Autosomal dominant Alport syndrome. Review status: no assertion criteria provided. Collection method: clinical testing. Allele origin: germline. Affected: yes. Not counted in ClinVar's aggregate classification.